The following is an entry in ClinVar:

ClinVar aggregate classification (germline): Uncertain significance (1 of 4 stars; one submission).

Conditions:
Gnathodiaphyseal dysplasia (GDD). Also called: GNATHODIAPHYSEAL SCLEROSIS; OSTEOGENESIS IMPERFECTA WITH UNUSUAL SKELETAL LESIONS. Identifiers: Orphanet 53697, MedGen C1833736, MONDO:0008151, OMIM 166260.
Autosomal recessive limb-girdle muscular dystrophy type 2L (LGMDR12). Also called: Limb-girdle muscular dystrophy, type 2L; MUSCULAR DYSTROPHY, LIMB-GIRDLE, AUTOSOMAL RECESSIVE 12; Limb-Girdle Muscular Dystrophy R12 Anoctamin-5-Related (LGMD-R12). Identifiers: Orphanet 206549, MedGen C1969785, MONDO:0012652, OMIM 611307.

Submission:

Labcorp Genetics (formerly Invitae), Labcorp
Classification: Uncertain significance for Autosomal recessive limb-girdle muscular dystrophy type 2L; Gnathodiaphyseal dysplasia. Last evaluated: 2023-12-17. Review status: criteria provided, single submitter. Criteria: Invitae Variant Classification Sherloc (09022015). Collection method: clinical testing. Allele origin: germline.
Comment: This sequence change replaces proline, which is neutral and non-polar, with alanine, which is neutral and non-polar, at codon 457 of the ANO5 protein (p.Pro457Ala). This variant is not present in population databases (gnomAD no frequency). This variant has not been reported in the literature in individuals affected with ANO5-related conditions. Advanced modeling of protein sequence and biophysical properties (such as structural, functional, and spatial information, amino acid conservation, physicochemical variation, residue mobility, and thermodynamic stability) performed at Invitae indicates that this missense variant is not expected to disrupt ANO5 protein function with a negative predictive value of 95%. In summary, the available evidence is currently insufficient to determine the role of this variant in disease. Therefore, it has been classified as a Variant of Uncertain Significance.

NM_213599.3(ANO5):c.1369C>G (p.Pro457Ala)

Gene: ANO5 (anoctamin 5; plus strand). Cytogenetic location: 11p14.3.
Variant type: single nucleotide variant.
Coding change: c.1369C>G on transcript NM_213599.3 (MANE Select); coding-DNA position 1369, C replaced by G.
Protein change: p.Pro457Ala; replaces proline 457 with alanine.
Molecular consequence: missense variant.
Genome position (GRCh38, 1-based): chr11:22,257,716, C>G. VCF-style: chr11-22257716-C-G. GRCh37 (hg19) VCF-style: chr11-22279262-C-G.
Other names: c.1366C>G, p.Pro456Ala (NM_001142649.2); c.1327C>G, p.Pro443Ala (NM_001410963.1); c.1324C>G, p.Pro442Ala (NM_001410964.1); short protein forms P456A, P443A, P457A, P442A.
Identifiers: ClinVar variation 2939135 (VCV002939135.3), dbSNP rs770013241, ClinGen allele CA379921787.
Genomic context (GRCh38, chr11:22,257,716, plus strand): 5'-TTTGTGATTTCTTCAATATTACAGGAGATGGAACCTTACATGCCTCTATACACGCGTATT[C>G]CATGGTACTTTCTTTCAGGAGCCACAGTGACATTATGGGTGAGCATTTCTTTAAAAATTG-3'
Protein context (NP_998764.1, residues 447-467): EPYMPLYTRI[Pro457Ala]WYFLSGATVT